The following is an entry in ClinVar:

ClinVar aggregate classification (germline): Uncertain significance. Review status: criteria provided, multiple submitters, no conflicts (2 of 4 stars). 3 submissions from 3 submitters: Uncertain significance (3). Last evaluated 2024-05-22.

Conditions:
Leber congenital amaurosis 6 (LCA6). Identifiers: Orphanet 65, MedGen C1854260, MONDO:0013446, OMIM 613826.
Cone-rod dystrophy 13 (CORD13). Identifiers: Orphanet 1872, MedGen C2750720, MONDO:0011987, OMIM 608194.

Allele frequency attached by ClinVar (database versions not stated): TOPMed 0.00003.

Submissions (3):

Women's Health and Genetics/Laboratory Corporation of America, LabCorp
Classification: Uncertain significance. Last evaluated: 2024-05-22. Review status: criteria provided, single submitter. Criteria: LabCorp Variant Classification Summary - May 2015. Collection method: clinical testing. Allele origin: germline.
Comment: Variant summary: RPGRIP1 c.3358A>C (p.Ile1120Leu) results in a conservative amino acid change located in the RPGRIP1, C-terminal domain (IPR041091) of the encoded protein sequence. Five of five in-silico tools predict a benign effect of the variant on protein function. The variant allele was found at a frequency of 4.8e-05 in 248098 control chromosomes. This frequency is not significantly higher than estimated for a pathogenic variant in RPGRIP1 causing Leber Congenital Amaurosis (4.8e-05 vs 0.0011), allowing no conclusion about variant significance. c.3358A>C has been reported in the literature in individuals affected with retinitis pigmentosa (e.g. Vallespin_2007, Martin-Merida_2019). These reports do not provide unequivocal conclusions about association of the variant with Leber Congenital Amaurosis. To our knowledge, no experimental evidence demonstrating an impact on protein function has been reported. The following publications have been ascertained in the context of this evaluation (PMID: 30902645, 18055816). ClinVar contains an entry for this variant (Variation ID: 837039). Based on the evidence outlined above, the variant was classified as uncertain significance.

Labcorp Genetics (formerly Invitae), Labcorp
Classification: Uncertain significance for Leber congenital amaurosis 6; Cone-rod dystrophy 13. Last evaluated: 2022-04-25. Review status: criteria provided, single submitter. Criteria: Invitae Variant Classification Sherloc (09022015). Collection method: clinical testing. Allele origin: germline.
Comment: This sequence change replaces isoleucine, which is neutral and non-polar, with leucine, which is neutral and non-polar, at codon 1120 of the RPGRIP1 protein (p.Ile1120Leu). This variant is present in population databases (rs137853911, gnomAD 0.1%). This variant has not been reported in the literature in individuals affected with RPGRIP1-related conditions. ClinVar contains an entry for this variant (Variation ID: 837039). Algorithms developed to predict the effect of missense changes on protein structure and function (SIFT, PolyPhen-2, Align-GVGD) all suggest that this variant is likely to be tolerated. In summary, the available evidence is currently insufficient to determine the role of this variant in disease. Therefore, it has been classified as a Variant of Uncertain Significance.

Blueprint Genetics
Classification: Uncertain significance. Last evaluated: 2020-09-24. Review status: criteria provided, single submitter. Criteria: ACMG Guidelines, 2015. Collection method: clinical testing. Allele origin: germline.

Literature cited by the submitters: PubMed 30902645 (cited by Women's Health and Genetics/Laboratory Corporation of America, LabCorp); PubMed 18055816 (cited by Women's Health and Genetics/Laboratory Corporation of America, LabCorp).

NM_020366.4(RPGRIP1):c.3358A>C (p.Ile1120Leu)

Gene: RPGRIP1 (RPGR interacting protein 1; plus strand). Cytogenetic location: 14q11.2.
Variant type: single nucleotide variant.
Coding change: c.3358A>C on transcript NM_020366.4 (MANE Select); coding-DNA position 3358, A replaced by C.
Protein change: p.Ile1120Leu; replaces isoleucine 1120 with leucine.
Molecular consequence: missense variant.
Genome position (GRCh38, 1-based): chr14:21,343,054, A>C. VCF-style: chr14-21343054-A-C. GRCh37 (hg19) VCF-style: chr14-21811213-A-C.
Other names: c.1336A>C, p.Ile446Leu (NM_001377523.1, NM_001377950.1); c.2284A>C, p.Ile762Leu (NM_001377948.1); c.1444A>C, p.Ile482Leu (NM_001377949.1); c.841A>C, p.Ile281Leu (NM_001377951.1); short protein forms I1120L, I446L, I281L, I482L, I762L.
Identifiers: ClinVar variation 837039 (VCV000837039.10), dbSNP rs137853911, ClinGen allele CA7089506.